The following is an entry in ClinVar:

ClinVar aggregate classification (germline): Uncertain significance (1 of 4 stars; one submission).

Conditions:
Hereditary diffuse gastric adenocarcinoma (HDGC). Also called: DIFFUSE GASTRIC AND LOBULAR BREAST CANCER SYNDROME. Identifiers: Orphanet 26106, MedGen C1708349, MONDO:0007648, OMIM 137215.

Submission:

Labcorp Genetics (formerly Invitae), Labcorp
Classification: Uncertain significance for Hereditary diffuse gastric adenocarcinoma. Last evaluated: 2022-04-27. Review status: criteria provided, single submitter. Criteria: Invitae Variant Classification Sherloc (09022015). Collection method: clinical testing. Allele origin: germline.
Comment: In summary, the available evidence is currently insufficient to determine the role of this variant in disease. Therefore, it has been classified as a Variant of Uncertain Significance. Variants that disrupt the consensus splice site are a relatively common cause of aberrant splicing (PMID: 17576681, 9536098). Algorithms developed to predict the effect of sequence changes on RNA splicing suggest that this variant may disrupt the consensus splice site. Algorithms developed to predict the effect of missense changes on protein structure and function are either unavailable or do not agree on the potential impact of this missense change (SIFT: "Deleterious"; PolyPhen-2: "Probably Damaging"; Align-GVGD: "Class C15"). This variant has not been reported in the literature in individuals affected with CDH1-related conditions. This variant is not present in population databases (gnomAD no frequency). This sequence change replaces glycine, which is neutral and non-polar, with cysteine, which is neutral and slightly polar, at codon 571 of the CDH1 protein (p.Gly571Cys). This variant also falls at the last nucleotide of exon 11, which is part of the consensus splice site for this exon.

Literature cited by the submitters: PubMed 17576681; PubMed 9536098.

NM_004360.5(CDH1):c.1711G>T (p.Gly571Cys)

Gene: CDH1 (cadherin 1; plus strand). Cytogenetic location: 16q22.1.
Variant type: single nucleotide variant.
Coding change: c.1711G>T on transcript NM_004360.5 (MANE Select); coding-DNA position 1711, G replaced by T.
Protein change: p.Gly571Cys; replaces glycine 571 with cysteine.
Molecular consequence: missense variant. On other transcripts: intron variant (1).
Genome position (GRCh38, 1-based): chr16:68,819,425, G>T. VCF-style: chr16-68819425-G-T. GRCh37 (hg19) VCF-style: chr16-68853328-G-T.
Other names: c.1528G>T, p.Gly510Cys (NM_001317184.2); c.163G>T, p.Gly55Cys (NM_001317185.2); c.-254-2576G>T (NM_001317186.2); short protein forms G510C, G55C, G571C.
Identifiers: ClinVar variation 2130982 (VCV002130982.4), dbSNP rs786202290, ClinGen allele CA396465470.
Genomic context (GRCh38, chr16:68,819,425, plus strand): 5'-GAGGATTTTGAGCACGTGAAGAACAGCACGTACACAGCCCTAATCATAGCTACAGACAAT[G>T]GTAAGGGGGCCTCATCTGAGCCTTTGCTGCCTCGACCTCCTAGCTAGTTCAGTTCCTTGC-3'
Protein context (NP_004351.1, residues 561-581): YTALIIATDN[Gly571Cys]SPVATGTGTL